The following is an entry in ClinVar:

NM_000535.7(PMS2):c.1937G>A (p.Arg646Lys)

Gene: PMS2 (PMS1 homolog 2, mismatch repair system component; minus strand). Cytogenetic location: 7p22.1.
Variant type: single nucleotide variant.
Coding change: c.1937G>A on transcript NM_000535.7 (MANE Select); coding-DNA position 1937, G replaced by A.
Protein change: p.Arg646Lys; replaces arginine 646 with lysine.
Molecular consequence: missense variant. On other transcripts: non-coding transcript variant (1).
Genome position (GRCh38, 1-based): chr7:5,986,828, C>T on the plus strand (G>A on the coding strand, the complement: PMS2 is on the minus strand). VCF-style: chr7-5986828-C-T. GRCh37 (hg19) VCF-style: chr7-6026459-C-T.
Other names: c.1532G>A, p.Arg511Lys (NM_001322003.2, NM_001322004.2, NM_001322005.2 and 1 more transcripts); c.1781G>A, p.Arg594Lys (NM_001322006.2); c.1619G>A, p.Arg540Lys (NM_001322007.2, NM_001322008.2); c.1376G>A, p.Arg459Lys (NM_001322010.2); c.1004G>A, p.Arg335Lys (NM_001322011.2, NM_001322012.2); c.1364G>A, p.Arg455Lys (NM_001322013.2); c.1937G>A, p.Arg646Lys (NM_001322014.2); c.1628G>A, p.Arg543Lys (NM_001322015.2); short protein forms R335K, R455K, R511K, R540K, R543K, R646K, R459K, R594K.
Identifiers: ClinVar variation 820381 (VCV000820381.7), dbSNP rs372341850, ClinGen allele CA366739162.

ClinVar aggregate classification (germline): Uncertain significance. Review status: criteria provided, multiple submitters, no conflicts (2 of 4 stars). 2 submissions from 2 submitters: Uncertain significance (2). Last evaluated 2025-06-05.

Conditions:
Hereditary breast ovarian cancer syndrome. Also called: Hereditary breast and/or ovarian cancer syndrome; BRCA1- and BRCA2-Associated Hereditary Breast and Ovarian Cancer; Hereditary breast and ovarian cancer syndrome; Hereditary breast and ovarian cancer; Hereditary breast and ovarian cancer syndrome (HBOC); Breast and ovarian cancer. Identifiers: Orphanet 145, MedGen C0677776, MeSH D061325, MONDO:0003582. Disease mechanism: loss of function.
Hereditary cancer-predisposing syndrome. Also called: Neoplastic Syndromes, Hereditary; Tumor predisposition; Hereditary Cancer Syndrome; Hereditary neoplastic syndrome. Identifiers: Orphanet 140162, MedGen C0027672, MeSH D009386, MONDO:0015356.

gnomAD v4.1: 1 of 1,613,618 alleles (0.000062%); highest among the groups gnomAD compares: East Asian, 0.0022%; no homozygotes.

Submissions (2):

Ambry Genetics
Classification: Uncertain significance for Hereditary cancer-predisposing syndrome. Last evaluated: 2025-06-05. Review status: criteria provided, single submitter. Criteria: Ambry Variant Classification Scheme 2023. Collection method: clinical testing. Allele origin: germline.
Comment: The p.R646K variant (also known as c.1937G>A), located in coding exon 11 of the PMS2 gene, results from a G to A substitution at nucleotide position 1937. The arginine at codon 646 is replaced by lysine, an amino acid with highly similar properties. This amino acid position is highly conserved in available vertebrate species. In addition, the in silico prediction for this alteration is inconclusive. Since supporting evidence is limited at this time, the clinical significance of this alteration remains unclear.

Cancer Genomics Group, Japanese Foundation For Cancer Research
Classification: Uncertain significance for Hereditary breast and ovarian cancer syndrome. Last evaluated: 2019-05-01. Review status: criteria provided, single submitter. Criteria: ACMG Guidelines, 2015. Collection method: research. Allele origin: germline. Affected: yes.